The following is an entry in ClinVar:

NM_001368397.1(FRMPD4):c.3899C>G (p.Thr1300Ser)

Gene: FRMPD4 (FERM and PDZ domain containing 4; plus strand). Cytogenetic location: Xp22.2.
Variant type: single nucleotide variant.
Coding change: c.3899C>G on transcript NM_001368397.1 (MANE Select); coding-DNA position 3899, C replaced by G.
Protein change: p.Thr1300Ser; replaces threonine 1300 with serine.
Molecular consequence: missense variant.
Genome position (GRCh38, 1-based): chrX:12,718,725, C>G. VCF-style: chrX-12718725-C-G. GRCh37 (hg19) VCF-style: chrX-12736844-C-G.
Other names: c.4010C>G, p.Thr1337Ser (NM_001368395.3, NM_001368398.3); c.3905C>G, p.Thr1302Ser (NM_001368396.3); c.3890C>G, p.Thr1297Ser (NM_001368399.3); c.3779C>G, p.Thr1260Ser (NM_001368400.3); c.3875C>G, p.Thr1292Ser (NM_001368401.1, NM_001368402.3); c.3899C>G, p.Thr1300Ser (NM_014728.3); short protein forms T1260S, T1292S, T1297S, T1300S, T1302S, T1337S.
Identifiers: ClinVar variation 2504054 (VCV002504054.1), dbSNP rs139367112, ClinGen allele CA412323747.

ClinVar aggregate classification (germline): Uncertain significance (1 of 4 stars; one submission).

Submission:

Women's Health and Genetics/Laboratory Corporation of America, LabCorp
Classification: Uncertain significance. Last evaluated: 2023-04-27. Review status: criteria provided, single submitter. Criteria: LabCorp Variant Classification Summary - May 2015. Collection method: clinical testing. Allele origin: germline.
Comment: Variant summary: FRMPD4 c.3899C>G (p.Thr1300Ser) results in a conservative amino acid change in the encoded protein sequence. Five of five in-silico tools predict a benign effect of the variant on protein function. The variant was absent in 181410 control chromosomes (gnomAD). The available data on variant occurrences in the general population are insufficient to allow any conclusion about variant significance. To our knowledge, no occurrence of c.3899C>G in individuals affected with X-Linked Intellectual Disability 104 and no experimental evidence demonstrating its impact on protein function have been reported. No submitters have provided clinical-significance assessments for this variant to ClinVar after 2014. Based on the evidence outlined above, the variant was classified as uncertain significance.